The following is an entry in ClinVar:

NM_006514.4(SCN10A):c.4810del (p.Leu1604fs)

Gene: SCN10A (sodium voltage-gated channel alpha subunit 10; minus strand). Cytogenetic location: 3p22.2.
Variant type: Deletion.
Coding change: c.4810del on transcript NM_006514.4 (MANE Select); coding-DNA position 4810, one base deleted (C; older notation c.4810delC).
Protein change: p.Leu1604fs; shifts the reading frame from leucine 1604.
Molecular consequence: frameshift variant.
Genome position (GRCh38, 1-based): chr3:38,698,410, G deleted on the plus strand (C on the coding strand, the reverse complement: SCN10A is on the minus strand); the first of 3 consecutive G bases (chr3:38,698,410-38,698,412); deleting any one gives the same sequence. VCF-style (leftmost placement, unchanged base first): chr3-38698409-AG-A. GRCh37 (hg19) VCF-style: chr3-38739900-AG-A.
Other names: c.4807del, p.Leu1603fs (NM_001293306.2); c.4516del, p.Leu1506fs (NM_001293307.2); short protein forms L1603fs, L1604fs, L1506fs.
Identifiers: ClinVar variation 1743284 (VCV001743284.2), dbSNP rs1195758471, ClinGen allele CA906911619.

ClinVar aggregate classification (germline): Uncertain significance (1 of 4 stars; one submission).

Conditions:
Cardiovascular phenotype. Identifiers: MedGen CN230736.

Submission:

Ambry Genetics
Classification: Uncertain significance for Cardiovascular phenotype. Last evaluated: 2020-04-17. Review status: criteria provided, single submitter. Criteria: Ambry Variant Classification Scheme 2023. Collection method: clinical testing. Allele origin: germline.
Comment: The c.4810delC variant, located in coding exon 27 of the SCN10A gene, results from a deletion of one nucleotide at nucleotide position 4810, causing a translational frameshift with a predicted alternate stop codon (p.L1604Cfs*29). Frameshifts are typically deleterious in nature; however, this frameshift occurs at the 3' terminus of SCN10A and is not expected to trigger nonsense-mediated mRNA decay. Additionally, loss of function of SCN10A has not been clearly established as a mechanism of disease. Since supporting evidence is limited at this time, the clinical significance of this alteration remains unclear.